The following is an entry in ClinVar:

NM_000038.6(APC):c.4936G>C (p.Gly1646Arg)

Gene: APC (APC regulator of Wnt signaling pathway; plus strand). Cytogenetic location: 5q22.2.
Variant type: single nucleotide variant.
Coding change: c.4936G>C on transcript NM_000038.6 (MANE Select); coding-DNA position 4936, G replaced by C.
Protein change: p.Gly1646Arg; replaces glycine 1646 with arginine.
Molecular consequence: missense variant.
Genome position (GRCh38, 1-based): chr5:112,840,530, G>C. VCF-style: chr5-112840530-G-C. GRCh37 (hg19) VCF-style: chr5-112176227-G-C.
Other names: c.4936G>C, p.Gly1646Arg (NM_001127510.3, NM_001354895.2, NM_001407450.1); c.4882G>C, p.Gly1628Arg (NM_001127511.3); c.4990G>C, p.Gly1664Arg (NM_001354896.2, NM_001407447.1, NM_001407448.1 and 1 more transcripts); c.5020G>C, p.Gly1674Arg (NM_001407446.1); c.4915G>C, p.Gly1639Arg (NM_001407451.1); c.4906G>C, p.Gly1636Arg (NM_001407452.1); c.4759G>C, p.Gly1587Arg (NM_001407453.1, NM_001354901.2); c.4687G>C, p.Gly1563Arg (NM_001407454.1, NM_001407455.1, NM_001407456.1 and 1 more transcripts); and 12 more; short protein forms G1262R, G1363R, G1486R, G1517R, G1520R, G1545R, G1555R, G1563R.
Identifiers: ClinVar variation 1717783 (VCV001717783.8), dbSNP rs2149927858, ClinGen allele CA16032142.
Genomic context (GRCh38, chr5:112,840,530, plus strand): 5'-CCCCAAAAGCATGTTAGTTTTACACCGGGGGATGATATGCCACGGGTGTATTGTGTTGAA[G>C]GGACACCTATAAACTTTTCCACAGCTACATCTCTAAGTGATCTAACAATCGAATCCCCTC-3'
Protein context (NP_000029.2, residues 1636-1656): DDMPRVYCVE[Gly1646Arg]TPINFSTATS

ClinVar aggregate classification (germline): Uncertain significance. Review status: criteria provided, multiple submitters, no conflicts (2 of 4 stars). 3 submissions from 3 submitters: Uncertain significance (3). Last evaluated 2026-03-01.

Conditions:
Hereditary cancer-predisposing syndrome. Also called: Tumor predisposition; Hereditary Cancer Syndrome; Hereditary neoplastic syndrome; Neoplastic Syndromes, Hereditary. Identifiers: Orphanet 140162, MedGen C0027672, MeSH D009386, MONDO:0015356.
Familial adenomatous polyposis 1 (FAP1). Also called: FAMILIAL ADENOMATOUS POLYPOSIS 1, ATTENUATED; POLYPOSIS, ADENOMATOUS INTESTINAL. Identifiers: MedGen C2713442, MONDO:0021056, OMIM 175100. Disease mechanism: loss of function.

Submissions (3):

Ambry Genetics
Classification: Uncertain significance for Hereditary cancer-predisposing syndrome. Last evaluated: 2026-03-01. Review status: criteria provided, single submitter. Criteria: Ambry Variant Classification Scheme 2023. Collection method: clinical testing. Allele origin: germline.
Comment: The p.G1646R variant (also known as c.4936G>C), located in coding exon 15 of the APC gene, results from a G to C substitution at nucleotide position 4936. The glycine at codon 1646 is replaced by arginine, an amino acid with dissimilar properties. This amino acid position is conserved. In addition, in silico predictors for this gene do not accurately predict pathogenicity. Based on the available evidence, the clinical significance of this variant remains unclear.

GeneDx
Classification: Uncertain significance. Last evaluated: 2025-05-08. Review status: criteria provided, single submitter. Criteria: GeneDx Variant Classification Process June 2021. Collection method: clinical testing. Allele origin: germline. Affected: yes.
Comment: Not observed at significant frequency in large population cohorts (gnomAD); In silico analysis supports that this missense variant has a deleterious effect on protein structure/function; Has not been previously published as pathogenic or benign to our knowledge; This variant is associated with the following publications: (PMID: 18199528)

Labcorp Genetics (formerly Invitae), Labcorp
Classification: Uncertain significance for Familial adenomatous polyposis 1. Last evaluated: 2022-08-22. Review status: criteria provided, single submitter. Criteria: Invitae Variant Classification Sherloc (09022015). Collection method: clinical testing. Allele origin: germline.
Comment: In summary, the available evidence is currently insufficient to determine the role of this variant in disease. Therefore, it has been classified as a Variant of Uncertain Significance. Algorithms developed to predict the effect of missense changes on protein structure and function are either unavailable or do not agree on the potential impact of this missense change (SIFT: "Deleterious"; PolyPhen-2: "Probably Damaging"; Align-GVGD: "Class C0"). This variant has not been reported in the literature in individuals affected with APC-related conditions. This variant is not present in population databases (gnomAD no frequency). This sequence change replaces glycine, which is neutral and non-polar, with arginine, which is basic and polar, at codon 1646 of the APC protein (p.Gly1646Arg).